The following is an entry in ClinVar:

NM_014363.6(SACS):c.11050G>A (p.Gly3684Arg)

Gene: SACS (sacsin molecular chaperone; minus strand). Cytogenetic location: 13q12.12.
Variant type: single nucleotide variant.
Coding change: c.11050G>A on transcript NM_014363.6 (MANE Select); coding-DNA position 11050, G replaced by A.
Protein change: p.Gly3684Arg; replaces glycine 3684 with arginine.
Molecular consequence: missense variant.
Genome position (GRCh38, 1-based): chr13:23,332,826, C>T on the plus strand (G>A on the coding strand, the complement: SACS is on the minus strand). VCF-style: chr13-23332826-C-T. GRCh37 (hg19) VCF-style: chr13-23906965-C-T.
Other names: p.Gly3684Arg; c.10609G>A, p.Gly3537Arg (NM_001278055.2); c.11077G>A, p.Gly3693Arg (NM_001437336.1); short protein forms G3684R, G3537R, G3693R.
Identifiers: ClinVar variation 4541755 (VCV004541755.1).

ClinVar aggregate classification (germline): Uncertain significance (1 of 4 stars; one submission).

gnomAD v4.1: 1 of 1,613,794 alleles (0.000062%); highest among the groups gnomAD compares: African/African-American, 0.0013%; no homozygotes.

Submission:

Mayo Clinic Laboratories, Mayo Clinic
Classification: Uncertain significance. Last evaluated: 2025-05-19. Review status: criteria provided, single submitter. Criteria: ACMG Guidelines, 2015. Collection method: clinical testing. Allele origin: germline. Observed: 1 variant allele.
Comment: PP3, PM2_supporting